The following is an entry in ClinVar:

NM_001211.6(BUB1B):c.1110G>C (p.Lys370Asn)

Gene: BUB1B (BUB1 mitotic checkpoint serine/threonine kinase B; plus strand). Cytogenetic location: 15q15.1.
Variant type: single nucleotide variant.
Coding change: c.1110G>C on transcript NM_001211.6 (MANE Select); coding-DNA position 1110, G replaced by C.
Protein change: p.Lys370Asn; replaces lysine 370 with asparagine.
Molecular consequence: missense variant.
Genome position (GRCh38, 1-based): chr15:40,196,596, G>C. VCF-style: chr15-40196596-G-C. GRCh37 (hg19) VCF-style: chr15-40488797-G-C.
Other names: short protein forms K370N.
Identifiers: ClinVar variation 4216969 (VCV004216969.1).
Genomic context (GRCh38, chr15:40,196,596, plus strand): 5'-CTTCTTTAGGACACCATGTAAAATTGAACCTAGTATAAACCACATCCTAAGCACCAGAAA[G>C]CCTGGAAAGGAAGAAGGAGATCCTCTACAAAGGGTTCAGAGCCATCAGCAAGCGTCTGAG-3'
Protein context (NP_001202.5, residues 360-380): PSINHILSTR[Lys370Asn]PGKEEGDPLQ

ClinVar aggregate classification (germline): Uncertain significance (1 of 4 stars; one submission).

Conditions:
Inborn genetic diseases. Identifiers: MedGen C0950123, MeSH D030342.

Submission:

Ambry Genetics
Classification: Uncertain significance for Inborn genetic diseases. Last evaluated: 2025-08-25. Review status: criteria provided, single submitter. Criteria: Ambry Variant Classification Scheme 2023. Collection method: clinical testing. Allele origin: germline.
Comment: The p.K370N variant (also known as c.1110G>C), located in coding exon 9 of the BUB1B gene, results from a G to C substitution at nucleotide position 1110. The lysine at codon 370 is replaced by asparagine, an amino acid with similar properties. This amino acid position is conserved. In addition, this alteration is predicted to be tolerated by in silico analysis. Based on the available evidence, the clinical significance of this variant remains unclear.